The following is an entry in ClinVar:

ClinVar aggregate classification (germline): Uncertain significance. Review status: criteria provided, multiple submitters, no conflicts (2 of 4 stars). 2 submissions from 2 submitters: Uncertain significance (2). Last evaluated 2025-10-01.

Allele frequency attached by ClinVar (database versions not stated): gnomAD 0.00002; TOPMed 0.00003; ExAC 0.00005; ESP Exome Variant Server 0.00008; 1000 Genomes Project 30x 0.00016; 1000 Genomes Project 0.00020.
gnomAD v4.1: 58 of 1,612,864 alleles (0.0036%); highest among the groups gnomAD compares: South Asian, 0.018%; no homozygotes.

Submissions (2):

Labcorp Genetics (formerly Invitae), Labcorp
Classification: Uncertain significance. Last evaluated: 2025-10-01. Review status: criteria provided, single submitter. Criteria: Invitae Variant Classification Sherloc (09022015). Collection method: clinical testing. Allele origin: germline.
Comment: This sequence change replaces glutamic acid, which is acidic and polar, with lysine, which is basic and polar, at codon 312 of the CD2AP protein (p.Glu312Lys). This variant is present in population databases (rs147188917, gnomAD 0.01%). This variant has not been reported in the literature in individuals affected with CD2AP-related conditions. ClinVar contains an entry for this variant (Variation ID: 2176501). Invitae Evidence Modeling of protein sequence and biophysical properties (such as structural, functional, and spatial information, amino acid conservation, physicochemical variation, residue mobility, and thermodynamic stability) indicates that this missense variant is expected to disrupt CD2AP protein function with a positive predictive value of 80%. In summary, the available evidence is currently insufficient to determine the role of this variant in disease. Therefore, it has been classified as a Variant of Uncertain Significance.

Genetic Services Laboratory, University of Chicago
Classification: Uncertain significance. Last evaluated: 2023-05-09. Review status: criteria provided, single submitter. Criteria: ACMG Guidelines, 2015. Collection method: clinical testing. Allele origin: germline. Affected: no.
Comment: DNA sequence analysis of the CD2AP gene demonstrated a sequence change, c.934G>A, in exon 9 that results in an amino acid change, p.Glu312Lys. This sequence change has been described in the gnomAD database with a frequency of 0.013% in the South Asian subpopulation (dbSNP rs147188917). The p.Glu312Lys change affects a highly conserved amino acid residue located in a domain of the CD2AP protein that is known to be functional. In-silico pathogenicity prediction tools (SIFT, PolyPhen2, Align GVGD, REVEL) provide contradictory results for the p.Glu312Lys substitution. This sequence change does not appear to have been previously described in individuals with CD2AP-related disorders. Due to insufficient evidences and the lack of functional studies, the clinical significance of the p.Glu312Lys change remains unknown at this time.

NM_012120.3(CD2AP):c.934G>A (p.Glu312Lys)

Gene: CD2AP (CD2 associated protein; plus strand). Cytogenetic location: 6p12.3.
Variant type: single nucleotide variant.
Coding change: c.934G>A on transcript NM_012120.3 (MANE Select); coding-DNA position 934, G replaced by A.
Protein change: p.Glu312Lys; replaces glutamic acid 312 with lysine.
Molecular consequence: missense variant.
Genome position (GRCh38, 1-based): chr6:47,579,415, G>A. VCF-style: chr6-47579415-G-A. GRCh37 (hg19) VCF-style: chr6-47547151-G-A.
Other names: short protein forms E312K.
Identifiers: ClinVar variation 2176501 (VCV002176501.6), dbSNP rs147188917, ClinGen allele CA3844159.